The following is an entry in ClinVar:

NM_006514.4(SCN10A):c.5097C>G (p.Ile1699Met)

Gene: SCN10A (sodium voltage-gated channel alpha subunit 10; minus strand). Cytogenetic location: 3p22.2.
Variant type: single nucleotide variant.
Coding change: c.5097C>G on transcript NM_006514.4 (MANE Select); coding-DNA position 5097, C replaced by G.
Protein change: p.Ile1699Met; replaces isoleucine 1699 with methionine.
Molecular consequence: missense variant.
Genome position (GRCh38, 1-based): chr3:38,698,123, G>C on the plus strand (C>G on the coding strand, the complement: SCN10A is on the minus strand). VCF-style: chr3-38698123-G-C. GRCh37 (hg19) VCF-style: chr3-38739614-G-C.
Other names: c.5094C>G, p.Ile1698Met (NM_001293306.2); c.4803C>G, p.Ile1601Met (NM_001293307.2); short protein forms I1601M, I1698M, I1699M.
Identifiers: ClinVar variation 3709182 (VCV003709182.2).

ClinVar aggregate classification (germline): Uncertain significance (1 of 4 stars; one submission).

Conditions:
Brugada syndrome. Also called: Sudden unexpected nocturnal death syndrome; Sudden unexplained nocturnal death syndrome; Sudden Unexplained Death Syndrome; Sudden Unexplained Nocturnal Death Syndrome (SUNDS). Identifiers: Orphanet 130, MedGen C1142166, MONDO:0015263.

Submission:

Labcorp Genetics (formerly Invitae), Labcorp
Classification: Uncertain significance for Brugada syndrome. Last evaluated: 2025-01-27. Review status: criteria provided, single submitter. Criteria: Invitae Variant Classification Sherloc (09022015). Collection method: clinical testing. Allele origin: germline.
Comment: This sequence change replaces isoleucine, which is neutral and non-polar, with methionine, which is neutral and non-polar, at codon 1699 of the SCN10A protein (p.Ile1699Met). This variant is not present in population databases (gnomAD no frequency). This variant has not been reported in the literature in individuals affected with SCN10A-related conditions. Invitae Evidence Modeling of protein sequence and biophysical properties (such as structural, functional, and spatial information, amino acid conservation, physicochemical variation, residue mobility, and thermodynamic stability) indicates that this missense variant is not expected to disrupt SCN10A protein function with a negative predictive value of 80%. In summary, the available evidence is currently insufficient to determine the role of this variant in disease. Therefore, it has been classified as a Variant of Uncertain Significance.